The following is an entry in ClinVar:

ClinVar aggregate classification (germline): Conflicting classifications of pathogenicity. Review status: criteria provided, conflicting classifications (1 of 4 stars). 4 submissions from 4 submitters: Uncertain significance (1); Likely benign (3). Last evaluated 2025-08-11.

Conditions:
Epidermolysis bullosa simplex 5B, with muscular dystrophy (EBS5B). Also called: EPIDERMOLYSIS BULLOSA SIMPLEX AND LIMB-GIRDLE MUSCULAR DYSTROPHY; Epidermolysis bullosa simplex with muscular dystrophy. Identifiers: Orphanet 257, MedGen C2931072, MONDO:0009181, OMIM 226670.
Epidermolysis bullosa simplex, Ogna type (EBS5A). Also called: Pidermolysis bullosa simplex 5A, Ogna type; EPIDERMOLYSIS BULLOSA SIMPLEX 5A, OGNA TYPE. Identifiers: Orphanet 79401, MedGen C0432317, MONDO:0007555, OMIM 131950.
Autosomal recessive limb-girdle muscular dystrophy type 2Q (LGMDR17). Also called: MUSCULAR DYSTROPHY, LIMB-GIRDLE, AUTOSOMAL RECESSIVE 17. Identifiers: Orphanet 254361, MedGen C3150989, MONDO:0013390, OMIM 613723.
Epidermolysis bullosa simplex 5C, with pyloric atresia (EBS5C). Also called: Epidermolysis bullosa simplex with pyloric atresia; PLEC1-Related Epidermolysis Bullosa with Pyloric Atresia; PLEC-Related Epidermolysis Bullosa with Pyloric Atresia. Identifiers: Orphanet 158684, MedGen C2677349, MONDO:0012807, OMIM 612138.
Epidermolysis bullosa simplex with nail dystrophy (EBS5D). Identifiers: MedGen C4225309, MONDO:0014661, OMIM 616487.

Allele frequency attached by ClinVar (database versions not stated): gnomAD 0.00005; gnomAD exomes 0.00005 and 0.00013; TOPMed 0.00006; ESP Exome Variant Server 0.00008; ExAC 0.00014; 1000 Genomes Project 30x 0.00016; 1000 Genomes Project 0.00020.
gnomAD v4.1: 84 of 1,590,782 alleles (0.0053%); highest among the groups gnomAD compares: Admixed American, 0.0069%; no homozygotes.

Submissions (4):

Labcorp Genetics (formerly Invitae), Labcorp
Classification: Likely benign for Autosomal recessive limb-girdle muscular dystrophy type 2Q; Epidermolysis bullosa simplex, Ogna type; Epidermolysis bullosa simplex with nail dystrophy; Epidermolysis bullosa simplex 5C, with pyloric atresia; Epidermolysis bullosa simplex 5B, with muscular dystrophy. Last evaluated: 2025-08-11. Review status: criteria provided, single submitter. Criteria: Invitae Variant Classification Sherloc (09022015). Collection method: clinical testing. Allele origin: germline.

Women's Health and Genetics/Laboratory Corporation of America, LabCorp
Classification: Likely benign. Last evaluated: 2025-02-05. Review status: criteria provided, single submitter. Criteria: LabCorp Variant Classification Summary - May 2015. Collection method: clinical testing. Allele origin: germline.

GeneDx
Classification: Likely benign. Last evaluated: 2017-03-17. Review status: criteria provided, single submitter. Criteria: GeneDx Variant Classification (06012015). Collection method: clinical testing. Allele origin: germline. Affected: yes.
Comment: This variant is considered likely benign or benign based on one or more of the following criteria: it is a conservative change, it occurs at a poorly conserved position in the protein, it is predicted to be benign by multiple in silico algorithms, and/or has population frequency not consistent with disease.

Eurofins Ntd Llc (ga)
Classification: Uncertain significance. Last evaluated: 2017-02-03. Review status: criteria provided, single submitter. Criteria: EGL Classification Definitions 2015. Collection method: clinical testing. Allele origin: germline. Observed: 1 variant allele, 1 heterozygote.

NM_201384.3(PLEC):c.9528C>T (p.Ala3176=)

Gene: PLEC (plectin; minus strand). Cytogenetic location: 8q24.3.
Variant type: single nucleotide variant.
Coding change: c.9528C>T on transcript NM_201384.3 (MANE Select); coding-DNA position 9528, C replaced by T.
Protein change: p.Ala3176=; no amino-acid change (alanine 3176 retained).
Molecular consequence: synonymous variant.
Genome position (GRCh38, 1-based): chr8:143,920,293, G>A on the plus strand (C>T on the coding strand, the complement: PLEC is on the minus strand). VCF-style: chr8-143920293-G-A. GRCh37 (hg19) VCF-style: chr8-144994461-G-A.
Other names: c.9609C>T, p.Ala3203= (NM_000445.5); c.9486C>T, p.Ala3162= (NM_201378.4); c.9462C>T, p.Ala3154= (NM_201379.3); c.9939C>T, p.Ala3313= (NM_201380.4); c.9432C>T, p.Ala3144= (NM_201381.3); c.9528C>T, p.Ala3176= (NM_201382.4); c.9540C>T, p.Ala3180= (NM_201383.3).
Identifiers: ClinVar variation 500309 (VCV000500309.17), dbSNP rs368317567, ClinGen allele CA4924944.